The following is an entry in ClinVar:

ClinVar aggregate classification (germline): Uncertain significance (1 of 4 stars; one submission).

Allele frequency attached by ClinVar (database versions not stated): gnomAD exomes 0.00001; TOPMed 0.00001.
gnomAD v4.1: 11 of 1,559,820 alleles (0.00071%); highest among the groups gnomAD compares: East Asian, 0.0023%; no homozygotes.

Submission:

Labcorp Genetics (formerly Invitae), Labcorp
Classification: Uncertain significance. Last evaluated: 2024-09-02. Review status: criteria provided, single submitter. Criteria: Invitae Variant Classification Sherloc (09022015). Collection method: clinical testing. Allele origin: germline.
Comment: This sequence change replaces threonine, which is neutral and polar, with methionine, which is neutral and non-polar, at codon 1612 of the LRP5 protein (p.Thr1612Met). This variant is present in population databases (no rsID available, gnomAD 0.0009%). This variant has not been reported in the literature in individuals affected with LRP5-related conditions. ClinVar contains an entry for this variant (Variation ID: 1909749). Invitae Evidence Modeling of protein sequence and biophysical properties (such as structural, functional, and spatial information, amino acid conservation, physicochemical variation, residue mobility, and thermodynamic stability) indicates that this missense variant is not expected to disrupt LRP5 protein function with a negative predictive value of 95%. In summary, the available evidence is currently insufficient to determine the role of this variant in disease. Therefore, it has been classified as a Variant of Uncertain Significance.

NM_002335.4(LRP5):c.4835C>T (p.Thr1612Met)

Gene: LRP5 (LDL receptor related protein 5; plus strand). Cytogenetic location: 11q13.2.
Variant type: single nucleotide variant.
Coding change: c.4835C>T on transcript NM_002335.4 (MANE Select); coding-DNA position 4835, C replaced by T.
Protein change: p.Thr1612Met; replaces threonine 1612 with methionine.
Molecular consequence: missense variant.
Genome position (GRCh38, 1-based): chr11:68,449,057, C>T. VCF-style: chr11-68449057-C-T. GRCh37 (hg19) VCF-style: chr11-68216525-C-T.
Other names: c.3092C>T, p.Thr1031Met (NM_001291902.2); short protein forms T1031M, T1612M.
Identifiers: ClinVar variation 1909749 (VCV001909749.5), dbSNP rs1215500179, ClinGen allele CA381619157.